The following is an entry in ClinVar:

ClinVar aggregate classification (germline): Conflicting classifications of pathogenicity. Review status: criteria provided, conflicting classifications (1 of 4 stars). 5 submissions from 5 submitters: Uncertain significance (2); Likely benign (1). 2 of the submissions do not count toward it. Last evaluated 2024-04-15.

Conditions:
LIFR-related disorder. Also called: LIFR-related condition.
Stüve-Wiedemann syndrome 1. Also called: STUVE-WIEDEMANN/SCHWARTZ-JAMPEL TYPE 2 SYNDROME. Identifiers: Orphanet 3206, MedGen C5676888, MONDO:0800043, OMIM 601559.
Stuve-Wiedemann syndrome (STWS). Also called: Stüve-Wiedemann syndrome. Identifiers: Orphanet 3206, MedGen C0796176, MONDO:0031280.

Allele frequency attached by ClinVar (database versions not stated): gnomAD exomes below 0.00001 and 0.00002; gnomAD 0.00003; TOPMed 0.00005.
gnomAD v4.1: 11 of 1,395,232 alleles (0.00079%); highest among the groups gnomAD compares: Admixed American, 0.019%; no homozygotes.

Submissions (5):

Fulgent Genetics
Classification: Uncertain significance for Stüve-Wiedemann syndrome 1. Last evaluated: 2024-04-15. Review status: criteria provided, single submitter. Criteria: ACMG Guidelines, 2015. Collection method: clinical testing. Allele origin: germline.

Labcorp Genetics (formerly Invitae), Labcorp
Classification: Uncertain significance. Last evaluated: 2021-09-16. Review status: criteria provided, single submitter. Criteria: Invitae Variant Classification Sherloc (09022015). Collection method: clinical testing. Allele origin: germline.
Comment: This sequence change falls in intron 19 of the LIFR gene. It does not directly change the encoded amino acid sequence of the LIFR protein, but it affects a nucleotide within the consensus splice site of the intron. This variant is not present in population databases (ExAC no frequency). This variant has not been reported in the literature in individuals with LIFR-related conditions. Nucleotide substitutions within the consensus splice site are a relatively common cause of aberrant splicing (PMID: 17576681, 9536098). Algorithms developed to predict the effect of sequence changes on RNA splicing suggest that this variant is not likely to affect RNA splicing, but this prediction has not been confirmed by published transcriptional studies. In summary, the available evidence is currently insufficient to determine the role of this variant in disease. Therefore, it has been classified as a Variant of Uncertain Significance.

ARUP Laboratories, Molecular Genetics and Genomics, ARUP Laboratories
Classification: Likely benign for Stüve-Wiedemann syndrome 1. Last evaluated: 2018-12-12. Review status: criteria provided, single submitter. Criteria: ARUP Molecular Germline Variant Investigation Process. Collection method: clinical testing. Allele origin: germline.

PreventionGenetics, part of Exact Sciences
Classification: Likely benign for LIFR-related condition. Last evaluated: 2021-04-07. Review status: no assertion criteria provided. Collection method: clinical testing. Allele origin: germline. Not counted in ClinVar's aggregate classification.
Comment: This variant is classified as likely benign based on ACMG/AMP sequence variant interpretation guidelines (Richards et al. 2015 PMID: 25741868, with internal and published modifications).

Natera, Inc.
Classification: Uncertain significance for Stuve-Wiedemann syndrome. Last evaluated: 2020-01-24. Review status: no assertion criteria provided. Collection method: clinical testing. Allele origin: germline. Not counted in ClinVar's aggregate classification.

Literature cited by the submitters: PubMed 17576681 (cited by Labcorp Genetics (formerly Invitae), Labcorp); PubMed 9536098 (cited by Labcorp Genetics (formerly Invitae), Labcorp).

NM_001127671.2(LIFR):c.2670+6C>G

Gene: LIFR (LIF receptor subunit alpha; minus strand). Cytogenetic location: 5p13.1.
Variant type: single nucleotide variant.
Coding change: c.2670+6C>G on transcript NM_001127671.2 (MANE Select); 6 bases into the intron after coding-DNA position 2670, C replaced by G.
Molecular consequence: intron variant.
Genome position (GRCh38, 1-based): chr5:38,482,583, G>C on the plus strand (C>G on the coding strand, the complement: LIFR is on the minus strand). VCF-style: chr5-38482583-G-C. GRCh37 (hg19) VCF-style: chr5-38482685-G-C.
Other names: c.2637+6C>G (NM_001364298.2); c.2670+6C>G (NM_001364297.2, NM_002310.5, NM_002310.6).
Identifiers: ClinVar variation 811059 (VCV000811059.13), dbSNP rs898718526, ClinGen allele CA117134696.
Genomic context (GRCh38, chr5:38,482,583, plus strand): 5'-TTTTCACAAAAGATTAAAAAAAGAAGCCAGCACATCAAAGATAAATATAAGAAAATAAAA[G>C]ATTACCTCACAGACACTCTTTTGAAACTGTAATGCTTTACAGTTTTCTGGATTTGGAATA-3'